The following is an entry in ClinVar:

NM_080680.3(COL11A2):c.79G>C (p.Ala27Pro)

Gene: COL11A2 (collagen type XI alpha 2 chain; minus strand). Cytogenetic location: 6p21.32.
Variant type: single nucleotide variant.
Coding change: c.79G>C on transcript NM_080680.3 (MANE Select); coding-DNA position 79, G replaced by C.
Protein change: p.Ala27Pro; replaces alanine 27 with proline.
Molecular consequence: missense variant.
Genome position (GRCh38, 1-based): chr6:33,192,162, C>G on the plus strand (G>C on the coding strand, the complement: COL11A2 is on the minus strand). VCF-style: chr6-33192162-C-G. GRCh37 (hg19) VCF-style: chr6-33159939-C-G.
Other names: c.79G>C, p.Ala27Pro (NM_001163771.2, NM_080679.3, NM_080681.3); short protein forms A27P.
Identifiers: ClinVar variation 1303830 (VCV001303830.4), dbSNP rs1773197010, ClinGen allele CA363614844.

ClinVar aggregate classification (germline): Uncertain significance. Review status: criteria provided, multiple submitters, no conflicts (2 of 4 stars). 2 submissions from 2 submitters: Uncertain significance (2). Last evaluated 2025-01-29.

gnomAD v4.1: 2 of 1,557,024 alleles (0.00013%); highest among the groups gnomAD compares: Non-Finnish European, 0.00017%; no homozygotes.

Submissions (2):

Labcorp Genetics (formerly Invitae), Labcorp
Classification: Uncertain significance. Last evaluated: 2025-01-29. Review status: criteria provided, single submitter. Criteria: Invitae Variant Classification Sherloc (09022015). Collection method: clinical testing. Allele origin: germline.
Comment: This sequence change replaces alanine, which is neutral and non-polar, with proline, which is neutral and non-polar, at codon 27 of the COL11A2 protein (p.Ala27Pro). This variant is not present in population databases (gnomAD no frequency). This variant has not been reported in the literature in individuals affected with COL11A2-related conditions. ClinVar contains an entry for this variant (Variation ID: 1303830). Invitae Evidence Modeling of protein sequence and biophysical properties (such as structural, functional, and spatial information, amino acid conservation, physicochemical variation, residue mobility, and thermodynamic stability) indicates that this missense variant is not expected to disrupt COL11A2 protein function with a negative predictive value of 95%. In summary, the available evidence is currently insufficient to determine the role of this variant in disease. Therefore, it has been classified as a Variant of Uncertain Significance.

GeneDx
Classification: Uncertain significance. Last evaluated: 2020-05-20. Review status: criteria provided, single submitter. Criteria: GeneDx Variant Classification Process June 2021. Collection method: clinical testing. Allele origin: germline. Affected: yes.
Comment: Not observed in large population cohorts (Lek et al., 2016); In silico analysis supports that this missense variant does not alter protein structure/function; Has not been previously published as pathogenic or benign to our knowledge